The following is an entry in ClinVar:

NM_003737.4(DCHS1):c.592G>A (p.Gly198Ser)

Gene: DCHS1 (dachsous cadherin-related 1; minus strand). Cytogenetic location: 11p15.4.
Variant type: single nucleotide variant.
Coding change: c.592G>A on transcript NM_003737.4 (MANE Select); coding-DNA position 592, G replaced by A.
Protein change: p.Gly198Ser; replaces glycine 198 with serine.
Molecular consequence: missense variant.
Genome position (GRCh38, 1-based): chr11:6,641,022, C>T on the plus strand (G>A on the coding strand, the complement: DCHS1 is on the minus strand). VCF-style: chr11-6641022-C-T. GRCh37 (hg19) VCF-style: chr11-6662253-C-T.
Other names: short protein forms G198S.
Identifiers: ClinVar variation 1469473 (VCV001469473.6), dbSNP rs1038990717, ClinGen allele CA379441748.

ClinVar aggregate classification (germline): Uncertain significance (1 of 4 stars; one submission).

gnomAD v4.1: 6 of 1,613,960 alleles (0.00037%); highest among the groups gnomAD compares: East Asian, 0.0022%; no homozygotes.

Submission:

Labcorp Genetics (formerly Invitae), Labcorp
Classification: Uncertain significance. Last evaluated: 2025-09-02. Review status: criteria provided, single submitter. Criteria: Invitae Variant Classification Sherloc (09022015). Collection method: clinical testing. Allele origin: germline.
Comment: This sequence change replaces glycine, which is neutral and non-polar, with serine, which is neutral and polar, at codon 198 of the DCHS1 protein (p.Gly198Ser). This variant is not present in population databases (gnomAD no frequency). This variant has not been reported in the literature in individuals affected with DCHS1-related conditions. ClinVar contains an entry for this variant (Variation ID: 1469473). Invitae Evidence Modeling of protein sequence and biophysical properties (such as structural, functional, and spatial information, amino acid conservation, physicochemical variation, residue mobility, and thermodynamic stability) indicates that this missense variant is not expected to disrupt DCHS1 protein function with a negative predictive value of 95%. In summary, the available evidence is currently insufficient to determine the role of this variant in disease. Therefore, it has been classified as a Variant of Uncertain Significance.